The following is an entry in ClinVar:

NM_178140.4(PDZD2):c.2969C>T (p.Pro990Leu)

Gene: PDZD2 (PDZ domain containing 2; plus strand). Cytogenetic location: 5p13.3.
Variant type: single nucleotide variant.
Coding change: c.2969C>T on transcript NM_178140.4 (MANE Select); coding-DNA position 2969, C replaced by T.
Protein change: p.Pro990Leu; replaces proline 990 with leucine.
Molecular consequence: missense variant.
Genome position (GRCh38, 1-based): chr5:32,074,075, C>T. VCF-style: chr5-32074075-C-T. GRCh37 (hg19) VCF-style: chr5-32074181-C-T.
Other names: short protein forms P990L.
Identifiers: ClinVar variation 769647 (VCV000769647.7), dbSNP rs139754344, ClinGen allele CA3219359.
Genomic context (GRCh38, chr5:32,074,075, plus strand): 5'-CCAGTGATGAGGAAGAGTTTGACAGAGAAGGGGACTGCATTTCACTCCCAGGGGCCCTCC[C>T]GGGTCCCATCAGGCCTCTGTCAGAGGATGACCCGAGGCGTGTCTCAATTTCCTCTTCCAA-3'
Protein context (NP_835260.2, residues 980-1000): GDCISLPGAL[Pro990Leu]GPIRPLSEDD

ClinVar aggregate classification (germline): Benign. Review status: criteria provided, multiple submitters, no conflicts (2 of 4 stars). 3 submissions from 3 submitters: Benign (2). 1 of the submissions does not count toward it. Last evaluated 2019-12-31.

Conditions:
PDZD2-related disorder. Also called: PDZD2-related condition.

Allele frequency attached by ClinVar (database versions not stated): ESP Exome Variant Server 0.00038; gnomAD exomes 0.00172 and 0.00655; gnomAD 0.00398 and 0.00410; ExAC 0.00463; TOPMed 0.00540; 1000 Genomes Project 0.00739; 1000 Genomes Project 30x 0.00796.
gnomAD v4.1: 3,119 of 1,614,000 alleles (0.19%); highest among the groups gnomAD compares: Admixed American, 3.7%; 59 homozygotes.

Submissions (3):

Labcorp Genetics (formerly Invitae), Labcorp
Classification: Benign. Last evaluated: 2019-12-31. Review status: criteria provided, single submitter. Criteria: Invitae Variant Classification Sherloc (09022015). Collection method: clinical testing. Allele origin: germline.

Breakthrough Genomics
Classification: Benign. Review status: criteria provided, single submitter. Criteria: ACMG Guidelines, 2015. Collection method: not provided. Allele origin: germline. Inheritance: Unknown mechanism. Affected: yes.

PreventionGenetics, part of Exact Sciences
Classification: Benign for PDZD2-related condition. Last evaluated: 2020-02-18. Review status: no assertion criteria provided. Collection method: clinical testing. Allele origin: germline. Not counted in ClinVar's aggregate classification.
Comment: This variant is classified as benign based on ACMG/AMP sequence variant interpretation guidelines (Richards et al. 2015 PMID: 25741868, with internal and published modifications).